The following is an entry in ClinVar:

ClinVar aggregate classification (germline): Uncertain significance (1 of 4 stars; one submission).

gnomAD v4.1: 1 of 1,613,670 alleles (0.000062%); highest among the groups gnomAD compares: Non-Finnish European, 0.000085%; no homozygotes.

Submission:

Labcorp Genetics (formerly Invitae), Labcorp
Classification: Uncertain significance. Last evaluated: 2020-02-25. Review status: criteria provided, single submitter. Criteria: Invitae Variant Classification Sherloc (09022015). Collection method: clinical testing. Allele origin: germline.
Comment: In summary, the available evidence is currently insufficient to determine the role of this variant in disease. Therefore, it has been classified as a Variant of Uncertain Significance. Algorithms developed to predict the effect of missense changes on protein structure and function are either unavailable or do not agree on the potential impact of this missense change (SIFT: "Deleterious"; PolyPhen-2: "Probably Damaging"; Align-GVGD: "Class C0"). This variant has not been reported in the literature in individuals with CLUAP1-related conditions. This variant is not present in population databases (ExAC no frequency). This sequence change replaces aspartic acid with histidine at codon 313 of the CLUAP1 protein (p.Asp313His). The aspartic acid residue is moderately conserved and there is a moderate physicochemical difference between aspartic acid and histidine.

NM_015041.3(CLUAP1):c.937G>C (p.Asp313His)

Gene: CLUAP1 (clusterin associated protein 1; plus strand). Cytogenetic location: 16p13.3.
Variant type: single nucleotide variant.
Coding change: c.937G>C on transcript NM_015041.3 (MANE Select); coding-DNA position 937, G replaced by C.
Protein change: p.Asp313His; replaces aspartic acid 313 with histidine.
Molecular consequence: missense variant.
Genome position (GRCh38, 1-based): chr16:3,530,576, G>C. VCF-style: chr16-3530576-G-C. GRCh37 (hg19) VCF-style: chr16-3580576-G-C.
Other names: c.937G>C, p.Asp313His (NM_001330454.2); c.439G>C, p.Asp147His (NM_024793.3); short protein forms D147H, D313H.
Identifiers: ClinVar variation 1041050 (VCV001041050.9), dbSNP rs2038094176, ClinGen allele CA394515385.